The following is an entry in ClinVar:

ClinVar aggregate classification (germline): Pathogenic (1 of 4 stars; one submission).

Conditions:
Hereditary cancer-predisposing syndrome. Also called: Neoplastic Syndromes, Hereditary; Tumor predisposition; Hereditary Cancer Syndrome; Hereditary neoplastic syndrome. Identifiers: Orphanet 140162, MedGen C0027672, MeSH D009386, MONDO:0015356.

Submission:

Ambry Genetics
Classification: Pathogenic for Hereditary cancer-predisposing syndrome. Last evaluated: 2026-06-04. Review status: criteria provided, single submitter. Criteria: Ambry Variant Classification Scheme 2023. Collection method: clinical testing. Allele origin: germline.
Comment: The c.5650delA pathogenic mutation, located in coding exon 10 of the BRCA2 gene, results from a deletion of one nucleotide at nucleotide position 5650, causing a translational frameshift with a predicted alternate stop codon (p.I1884Ffs*25). This variant is considered to be rare based on population cohorts in the Genome Aggregation Database (gnomAD). This variant is expected to result in loss of function by premature protein truncation or nonsense-mediated mRNA decay. As such, this variant is interpreted as a disease-causing mutation.

NM_000059.4(BRCA2):c.5650del (p.Ile1884fs)

Gene: BRCA2 (BRCA2 DNA repair associated; plus strand). Cytogenetic location: 13q13.1.
Variant type: Deletion.
Coding change: c.5650del on transcript NM_000059.4 (MANE Select); coding-DNA position 5650, one base deleted (A; older notation c.5650delA).
Protein change: p.Ile1884fs; shifts the reading frame from isoleucine 1884.
Molecular consequence: frameshift variant. On other transcripts: non-coding transcript variant (1), intron variant (2).
Genome position (GRCh38, 1-based): chr13:32,340,005, A deleted; the last of 5 consecutive A bases (chr13:32,340,001-32,340,005); deleting any one gives the same sequence. VCF-style (leftmost placement, unchanged base first): chr13-32340000-CA-C. GRCh37 (hg19) VCF-style: chr13-32914137-CA-C.
Other names: c.5650del, p.Ile1884fs (NM_001432077.1, NM_001406719.1, NM_001406720.1); c.1910-4553del (NM_001406721.1); c.425-4553del (NM_001406722.1); short protein forms I1884fs.
Identifiers: ClinVar variation 4867887 (VCV004867887.1).